The following is an entry in ClinVar:

NM_001164508.2(NEB):c.17262G>A (p.Trp5754Ter)

Gene: NEB (nebulin; minus strand). Cytogenetic location: 2q23.3.
Variant type: single nucleotide variant.
Coding change: c.17262G>A on transcript NM_001164508.2 (MANE Select); coding-DNA position 17262, G replaced by A.
Protein change: p.Trp5754Ter; replaces tryptophan 5754 with a stop codon.
Molecular consequence: nonsense.
Genome position (GRCh38, 1-based): chr2:151,570,249, C>T on the plus strand (G>A on the coding strand, the complement: NEB is on the minus strand). VCF-style: chr2-151570249-C-T. GRCh37 (hg19) VCF-style: chr2-152426763-C-T.
Other names: NM_001164508.2(NEB):c.17262G>A; p.Trp5754Ter; c.17262G>A, p.Trp5754Ter (NM_001164507.2, NM_001271208.2); c.12159G>A, p.Trp4053Ter (NM_004543.5); short protein forms W5754*, W4053*.
Identifiers: ClinVar variation 373081 (VCV000373081.3), dbSNP rs1057518200, ClinGen allele CA16042339.
Genomic context (GRCh38, chr2:151,570,249, plus strand): 5'-CTGGGAATTTTTAGAGTGCAGGATGGAAAGCATGTCCACAGGGCTCTGGATCTTGGCCTT[C>T]CATTTGGCCCAGTCCAGCCGGTACTCTCGTTCATTCTGGAGCTTGTCAGCTATGAGGGCC-3'

ClinVar aggregate classification (germline): Pathogenic/Likely pathogenic. Review status: criteria provided, multiple submitters, no conflicts (2 of 4 stars). 2 submissions from 2 submitters: Pathogenic (1); Likely pathogenic (1). Last evaluated 2025-03-10.

Conditions:
Nemaline myopathy. Also called: Myopathies, Nemaline. Identifiers: Orphanet 607, MedGen C0206157, MONDO:0018958.

Allele frequency attached by ClinVar (database versions not stated): gnomAD exomes below 0.00001 and 0.00001; TOPMed below 0.00001.
gnomAD v4.1: 2 of 1,613,786 alleles (0.00012%); highest among the groups gnomAD compares: Admixed American, 0.0033%; no homozygotes.

Submissions (2):

Broad Center for Mendelian Genomics, Broad Institute of MIT and Harvard
Classification: Likely pathogenic for Nemaline myopathy. Last evaluated: 2025-03-10. Review status: criteria provided, single submitter. Criteria: ACMG Guidelines, 2015. Collection method: curation. Allele origin: germline. Inheritance: Autosomal recessive inheritance.
Comment: The p.Trp5754Ter variant in NEB has not been previously reported in the literature in individuals with nemaline myopathy, but has been identified in 0.003% (2/60002) of Latino/Admixed American chromosomes by the Genome Aggregation Database (gnomAD; dbSNP ID: rs1057518200). Although this variant has been seen in the general population in a heterozygous state, its frequency is low enough to be consistent with a recessive carrier frequency. This variant has also been reported in ClinVar (Variation ID: 373081) and has been interpreted as pathogenic by GeneDx. This nonsense variant leads to a premature termination codon at position 5754, which is predicted to lead to a truncated or absent protein. Loss of function of the NEB gene is an established disease mechanism in autosomal recessive nemaline myopathy. In summary, although additional studies are required to fully establish its clinical significance, this variant is likely pathogenic for autosomal recessive nemaline myopathy. ACMG/AMP Criteria applied: PVS1, PM2_supporting (Richards 2015).

GeneDx
Classification: Pathogenic. Last evaluated: 2016-11-08. Review status: criteria provided, single submitter. Criteria: GeneDx Variant Classification (06012015). Collection method: clinical testing. Allele origin: germline. Affected: yes.
Comment: The W5754X variant in the NEB gene has not been reported previously as a pathogenic variant nor as a benign variant, to our knowledge. This variant is predicted to cause loss of normal protein function either through protein truncation or nonsense-mediated mRNA decay. The W5754X variant was not observed in approximately 6200 individuals of European and African American ancestry in the NHLBI Exome Sequencing Project, indicating it is not a common benign variant in these populations. We interpret W5754X as a pathogenic variant.